The following is an entry in ClinVar:

ClinVar aggregate classification (germline): Uncertain significance (1 of 4 stars; one submission).

Conditions:
Autosomal dominant limb-girdle muscular dystrophy type 1F (LGMDD2). Also called: Limb-girdle muscular dystrophy, type 1F; MUSCULAR DYSTROPHY, LIMB-GIRDLE, AUTOSOMAL DOMINANT 2. Identifiers: Orphanet 55595, MedGen C1842062, MONDO:0012034, OMIM 608423.

Submission:

Labcorp Genetics (formerly Invitae), Labcorp
Classification: Uncertain significance for Autosomal dominant limb-girdle muscular dystrophy type 1F. Last evaluated: 2022-08-25. Review status: criteria provided, single submitter. Criteria: Invitae Variant Classification Sherloc (09022015). Collection method: clinical testing. Allele origin: germline.
Comment: In summary, the available evidence is currently insufficient to determine the role of this variant in disease. Therefore, it has been classified as a Variant of Uncertain Significance. Algorithms developed to predict the effect of missense changes on protein structure and function are either unavailable or do not agree on the potential impact of this missense change (SIFT: "Deleterious"; PolyPhen-2: "Probably Damaging"; Align-GVGD: "Class C0"). This variant has not been reported in the literature in individuals affected with TNPO3-related conditions. This variant is not present in population databases (gnomAD no frequency). This sequence change replaces valine, which is neutral and non-polar, with phenylalanine, which is neutral and non-polar, at codon 795 of the TNPO3 protein (p.Val795Phe).

NM_012470.4(TNPO3):c.2383G>T (p.Val795Phe)

Gene: TNPO3 (transportin 3; minus strand). Cytogenetic location: 7q32.1.
Variant type: single nucleotide variant.
Coding change: c.2383G>T on transcript NM_012470.4 (MANE Select); coding-DNA position 2383, G replaced by T.
Protein change: p.Val795Phe; replaces valine 795 with phenylalanine.
Molecular consequence: missense variant. On other transcripts: non-coding transcript variant (18).
Genome position (GRCh38, 1-based): chr7:128,972,473, C>A on the plus strand (G>T on the coding strand, the complement: TNPO3 is on the minus strand). VCF-style: chr7-128972473-C-A. GRCh37 (hg19) VCF-style: chr7-128612527-C-A.
Other names: c.2191G>T, p.Val731Phe (NM_001191028.3, NM_001382223.1); c.2485G>T, p.Val829Phe (NM_001382216.1); c.2464G>T, p.Val822Phe (NM_001382217.1); c.2383G>T, p.Val795Phe (NM_001382218.1); c.2275G>T, p.Val759Phe (NM_001382219.1); c.2242G>T, p.Val748Phe (NM_001382220.1); c.2239G>T, p.Val747Phe (NM_001382221.1); c.2236G>T, p.Val746Phe (NM_001382222.1); short protein forms V746F, V748F, V731F, V795F, V747F, V759F, V822F, V829F.
Identifiers: ClinVar variation 2046785 (VCV002046785.4), dbSNP rs2535948041, ClinGen allele CA369252336.